The following is an entry in ClinVar:

ClinVar aggregate classification (germline): Uncertain significance (1 of 4 stars; one submission).

Conditions:
Diamond-Blackfan anemia. Also called: Blackfan Diamond syndrome; Aregenerative anemia chronic congenital; Red cell aplasia, pure hereditary; Congenital hypoplastic anemia; Aase syndrome. Identifiers: Orphanet 124, MedGen C1260899, MeSH D029503, MONDO:0015253, HP:0004810.

Submission:

Labcorp Genetics (formerly Invitae), Labcorp
Classification: Uncertain significance for Diamond-Blackfan anemia. Last evaluated: 2025-12-23. Review status: criteria provided, single submitter. Criteria: Invitae Variant Classification Sherloc (09022015). Collection method: clinical testing. Allele origin: germline.
Comment: This sequence change replaces lysine, which is basic and polar, with arginine, which is basic and polar, at codon 129 of the RPS24 protein (p.Lys129Arg). This variant is not present in population databases (gnomAD no frequency). This variant has not been reported in the literature in individuals affected with RPS24-related conditions. An algorithm developed to predict the effect of missense changes on protein structure and function (PolyPhen-2) suggests that this variant is likely to be tolerated. In summary, the available evidence is currently insufficient to determine the role of this variant in disease. Therefore, it has been classified as a Variant of Uncertain Significance.

NM_033022.4(RPS24):c.386A>G (p.Lys129Arg)

Gene: RPS24 (ribosomal protein S24; plus strand). Cytogenetic location: 10q22.3.
Variant type: single nucleotide variant.
Coding change: c.386A>G on transcript NM_033022.4 (MANE Select); coding-DNA position 386, A replaced by G.
Protein change: p.Lys129Arg; replaces lysine 129 with arginine.
Molecular consequence: missense variant.
Genome position (GRCh38, 1-based): chr10:78,037,300, A>G. VCF-style: chr10-78037300-A-G. GRCh37 (hg19) VCF-style: chr10-79797058-A-G.
Other names: c.386A>G, p.Lys129Arg (NM_001026.5, NM_001142282.2, NM_001142283.2 and 2 more transcripts); short protein forms K129R.
Identifiers: ClinVar variation 4707151 (VCV004707151.1).